The following is an entry in ClinVar:

ClinVar aggregate classification (germline): Uncertain significance (1 of 4 stars; one submission).

Submission:

GeneDx
Classification: Uncertain significance. Last evaluated: 2019-11-18. Review status: criteria provided, single submitter. Criteria: GeneDx Variant Classification Process June 2021. Collection method: clinical testing. Allele origin: germline. Affected: yes.
Comment: Not observed in large population cohorts (Lek et al., 2016); In silico analysis, which includes protein predictors and evolutionary conservation, supports a deleterious effect; Has not been previously published as pathogenic or benign to our knowledge

NM_021098.3(CACNA1H):c.742G>A (p.Gly248Ser)

Gene: CACNA1H (calcium voltage-gated channel subunit alpha1 H; plus strand). Cytogenetic location: 16p13.3.
Variant type: single nucleotide variant.
Coding change: c.742G>A on transcript NM_021098.3 (MANE Select); coding-DNA position 742, G replaced by A.
Protein change: p.Gly248Ser; replaces glycine 248 with serine.
Molecular consequence: missense variant.
Genome position (GRCh38, 1-based): chr16:1,198,713, G>A. VCF-style: chr16-1198713-G-A. GRCh37 (hg19) VCF-style: chr16-1248713-G-A.
Other names: c.742G>A, p.Gly248Ser (NM_001005407.2); short protein forms G248S.
Identifiers: ClinVar variation 1318654 (VCV001318654.2), dbSNP rs1967303599, ClinGen allele CA394155064.